The following continues an entry in ClinVar:

NM_007294.4(BRCA1):c.962G>A (p.Trp321Ter)

Gene: BRCA1. ClinVar aggregate classification (germline): Pathogenic. Pathogenic (1).

Submissions 11 to 23 of 23:

CHEO Genetics Diagnostic Laboratory, Children's Hospital of Eastern Ontario
Classification: Pathogenic for Breast and/or ovarian cancer. Last evaluated: 2023-06-12. Review status: criteria provided, single submitter. Criteria: ACMG Guidelines, 2015. Collection method: clinical testing. Allele origin: germline. Study: Canadian Open Genetics Repository. Not counted in ClinVar's aggregate classification.

Baylor Genetics
Classification: Pathogenic for Breast-ovarian cancer, familial, susceptibility to, 1. Last evaluated: 2023-05-30. Review status: criteria provided, single submitter. Criteria: ACMG Guidelines, 2015. Collection method: clinical testing. Allele origin: unknown. Not counted in ClinVar's aggregate classification.

Revvity Omics, Revvity
Classification: Pathogenic. Last evaluated: 2022-06-25. Review status: criteria provided, single submitter. Criteria: ACMG Guidelines, 2015. Collection method: clinical testing. Allele origin: germline. Not counted in ClinVar's aggregate classification.

Quest Diagnostics Nichols Institute San Juan Capistrano
Classification: Pathogenic. Last evaluated: 2020-08-18. Review status: criteria provided, single submitter. Criteria: Quest Diagnostics criteria. Collection method: clinical testing. Allele origin: unknown. Not counted in ClinVar's aggregate classification.
Comment: This nonsense variant causes the premature termination of BRCA1 protein synthesis. It has been reported in multiple individuals with hereditary breast and/or ovarian cancer in the published literature (PMIDs: 30257646 (2018), 29446198 (2018), 23772696 (2014), 22535016 (2012), 23199084 (2010), 16905680 (2007), 16683254 (2006), 16287141 (2005), 15728167 (2005), 15382066 (2004), and 9333265 (1997)). Based on the available information, this variant is classified as pathogenic.

Clinical Genetics and Genomics, Karolinska University Hospital
Classification: Pathogenic. Last evaluated: 2016-09-16. Review status: criteria provided, single submitter. Criteria: ACMG Guidelines, 2015. Collection method: clinical testing. Allele origin: germline. Affected: yes. Observed: 1 variant allele. Not counted in ClinVar's aggregate classification.

GeneKor MSA
Classification: Pathogenic. Last evaluated: 2016-07-01. Review status: criteria provided, single submitter. Criteria: ACMG Guidelines, 2015. Collection method: clinical testing. Allele origin: germline. Not counted in ClinVar's aggregate classification.

Consortium of Investigators of Modifiers of BRCA1/2 (CIMBA), c/o University of Cambridge
Classification: Pathogenic for Breast-ovarian cancer, familial, susceptibility to, 1. Last evaluated: 2015-10-02. Review status: criteria provided, single submitter. Criteria: CIMBA Mutation Classification guidelines May 2016. Collection method: clinical testing. Allele origin: germline. Not counted in ClinVar's aggregate classification.

BRCAlab, Lund University
Classification: Pathogenic for Breast-ovarian cancer, familial, susceptibility to, 1. Last evaluated: 2020-03-02. Review status: no assertion criteria provided. Collection method: clinical testing. Allele origin: germline. Affected: yes. Not counted in ClinVar's aggregate classification.

Foulkes Cancer Genetics LDI, Lady Davis Institute for Medical Research
Classification: Pathogenic for Breast and/or ovarian cancer. Last evaluated: 2016-02-05. Review status: no assertion criteria provided. Collection method: clinical testing. Allele origin: germline. Study: The Canadian Open Genetics Repository (COGR). Not counted in ClinVar's aggregate classification.

Research Molecular Genetics Laboratory, Women's College Hospital, University of Toronto
Classification: Pathogenic for Hereditary breast ovarian cancer syndrome. Last evaluated: 2014-01-31. Review status: no assertion criteria provided. Collection method: research. Allele origin: germline. Affected: yes. Study: The Canadian Open Genetics Repository (COGR). Not counted in ClinVar's aggregate classification.

Sharing Clinical Reports Project (SCRP)
Classification: Pathogenic for Breast-ovarian cancer, familial 1. Last evaluated: 2012-09-07. Review status: no assertion criteria provided. Collection method: clinical testing. Allele origin: germline. Not counted in ClinVar's aggregate classification.

Breast Cancer Information Core (BIC) (BRCA1)
No classification provided. Condition: Breast-ovarian cancer, familial 1. Review status: no classification provided. Collection method: clinical testing. Allele origin: germline. Affected: yes. Observed: 23 variant alleles. Not counted in ClinVar's aggregate classification.

Department of Pathology and Laboratory Medicine, Sinai Health System
Classification: Pathogenic. Review status: no assertion criteria provided. Collection method: clinical testing. Allele origin: unknown. Affected: yes. Study: The Canadian Open Genetics Repository (COGR). Not counted in ClinVar's aggregate classification.
Comment: The BRCA1 p.Trp321X variant was identified in 4 of 4476 proband chromosomes (frequency: 0.0009) from individuals or families with breast and ovarian cancer (Shattuck-Eidens 1997, Claus 2005, Belanger 2015, Simard 2007). The variant was also identified in dbSNP (ID: rs80357292) â€šÃ„ÃºWith Pathogenic alleleâ€šÃ„Ã¹, ClinVar (as pathogenic by ENIGMA, CIMBA, Invitae, GeneDx, Ambry Genetics, CHEO, Quest Diagnostics, GeneKor, SCARP, BIC), LOVD 3.0 (4x, functional affect is reported and concluded.), UMD-LSDB (10 records, as class 5, causal), BIC Database (23x reported), and ARUP Laboratories (as class 5 and-Definitely pathogenic). The variant was not identified in Genesight-COGR, Cosmic, MutDB, and Zhejiang Colon Cancer databases. The variant was identified in control databases in 1 of 246166 chromosomes at a frequency of 0.000004 in European population (Genome Aggregation Consortium Feb 27, 2017). The p.Trp321X variant leads to a premature stop codon at position 321, which is predicted to lead to a truncated or absent protein and loss of function.Loss of function variants of the BRCA1 gene are an established mechanism of disease in breast and ovarian cancer and is the type of variant expected to cause the disorder. In summary, based on the above information this variant meets our laboratoryâ€šÃ„Ã´s criteria to be classified as pathogenic.

Literature cited by the submitters: PubMed 20104584 (cited by Labcorp Genetics (formerly Invitae), Labcorp); PubMed 9333265 (cited by 4 submitters); PubMed 10644434 (cited by Labcorp Genetics (formerly Invitae), Labcorp and Color Diagnostics, LLC DBA Color Health); PubMed 15382066 (cited by 4 submitters); PubMed 16287141 (cited by 4 submitters); PubMed 16683254 (cited by 3 submitters); PubMed 22535016 (cited by 3 submitters); PubMed 22006311 (cited by Ambry Genetics and Color Diagnostics, LLC DBA Color Health); PubMed 23199084 (cited by 3 submitters); PubMed 23772696 (cited by Ambry Genetics and Quest Diagnostics Nichols Institute San Juan Capistrano); PubMed 29446198 (cited by Ambry Genetics and Quest Diagnostics Nichols Institute San Juan Capistrano); PubMed 30257646 (cited by 3 submitters); PubMed 15728167 (cited by Quest Diagnostics Nichols Institute San Juan Capistrano); PubMed 16905680 (cited by Quest Diagnostics Nichols Institute San Juan Capistrano); PubMed 26295337 (cited by Quest Diagnostics Nichols Institute San Juan Capistrano).